The following is an entry in ClinVar:

ClinVar aggregate classification (germline): Likely benign. Review status: criteria provided, multiple submitters, no conflicts (2 of 4 stars). 3 submissions from 3 submitters: Likely benign (3). Last evaluated 2026-01-26.

Conditions:
ABCC6-related disorder. Also called: ABCC6-related condition.

Allele frequency attached by ClinVar (database versions not stated): gnomAD 0.00001; ESP Exome Variant Server 0.00015.
gnomAD v4.1: 23 of 1,613,962 alleles (0.0014%); highest among the groups gnomAD compares: African/African-American, 0.0027%; no homozygotes.

Submissions (3):

Labcorp Genetics (formerly Invitae), Labcorp
Classification: Likely benign. Last evaluated: 2026-01-26. Review status: criteria provided, single submitter. Criteria: Invitae Variant Classification Sherloc (09022015). Collection method: clinical testing. Allele origin: germline.

PreventionGenetics, part of Exact Sciences
Classification: Likely benign for ABCC6-related condition. Last evaluated: 2024-12-30. Review status: criteria provided, single submitter. Criteria: ACMG Guidelines, 2015. Collection method: clinical testing. Allele origin: germline.
Comment: This variant is classified as likely benign based on ACMG/AMP sequence variant interpretation guidelines (Richards et al. 2015 PMID: 25741868, with internal and published modifications).

Blueprint Genetics
Classification: Likely benign. Last evaluated: 2022-11-03. Review status: criteria provided, single submitter. Criteria: ACMG Guidelines, 2015. Collection method: clinical testing. Allele origin: germline.

NM_001171.6(ABCC6):c.1956G>A (p.Thr652=)

Gene: ABCC6 (ATP binding cassette subfamily C member 6; minus strand). Cytogenetic location: 16p13.11.
Variant type: single nucleotide variant.
Coding change: c.1956G>A on transcript NM_001171.6 (MANE Select); coding-DNA position 1956, G replaced by A.
Protein change: p.Thr652=; no amino-acid change (threonine 652 retained).
Molecular consequence: synonymous variant. On other transcripts: non-coding transcript variant (1).
Genome position (GRCh38, 1-based): chr16:16,182,918, C>T on the plus strand (G>A on the coding strand, the complement: ABCC6 is on the minus strand). VCF-style: chr16-16182918-C-T. GRCh37 (hg19) VCF-style: chr16-16276775-C-T.
Other names: c.1614G>A, p.Thr538= (NM_001351800.1); c.1956G>A (NM_001171.5).
Identifiers: ClinVar variation 1661864 (VCV001661864.10), dbSNP rs141399693, ClinGen allele CA7926075.